The following is an entry in ClinVar:

ClinVar aggregate classification (germline): Uncertain significance. Review status: criteria provided, multiple submitters, no conflicts (2 of 4 stars). 2 submissions from 2 submitters: Uncertain significance (2). Last evaluated 2025-04-28.

Conditions:
Hereditary cancer-predisposing syndrome. Also called: Hereditary neoplastic syndrome; Neoplastic Syndromes, Hereditary; Tumor predisposition; Hereditary Cancer Syndrome. Identifiers: Orphanet 140162, MedGen C0027672, MeSH D009386, MONDO:0015356.
Familial meningioma. Also called: Meningioma, familial, susceptibility to. Identifiers: Orphanet 263662, MedGen C3551915, MONDO:0011789, OMIM 607174.

Allele frequency attached by ClinVar (database versions not stated): gnomAD exomes below 0.00001.

Submissions (2):

Labcorp Genetics (formerly Invitae), Labcorp
Classification: Uncertain significance for Familial meningioma. Last evaluated: 2025-04-28. Review status: criteria provided, single submitter. Criteria: Invitae Variant Classification Sherloc (09022015). Collection method: clinical testing. Allele origin: germline.
Comment: This sequence change replaces asparagine, which is neutral and polar, with aspartic acid, which is acidic and polar, at codon 386 of the SMARCE1 protein (p.Asn386Asp). This variant is not present in population databases (gnomAD no frequency). This variant has not been reported in the literature in individuals affected with SMARCE1-related conditions. ClinVar contains an entry for this variant (Variation ID: 532239). Invitae Evidence Modeling of protein sequence and biophysical properties (such as structural, functional, and spatial information, amino acid conservation, physicochemical variation, residue mobility, and thermodynamic stability) indicates that this missense variant is not expected to disrupt SMARCE1 protein function with a negative predictive value of 80%. In summary, the available evidence is currently insufficient to determine the role of this variant in disease. Therefore, it has been classified as a Variant of Uncertain Significance.

Ambry Genetics
Classification: Uncertain significance for Hereditary cancer-predisposing syndrome. Last evaluated: 2025-04-17. Review status: criteria provided, single submitter. Criteria: Ambry Variant Classification Scheme 2023. Collection method: clinical testing. Allele origin: germline.
Comment: The p.N386D variant (also known as c.1156A>G), located in coding exon 10 of the SMARCE1 gene, results from an A to G substitution at nucleotide position 1156. The asparagine at codon 386 is replaced by aspartic acid, an amino acid with highly similar properties. This amino acid position is conserved. In addition, this alteration is predicted to be tolerated by in silico analysis. Based on the available evidence, the clinical significance of this variant remains unclear.

NM_003079.5(SMARCE1):c.1156A>G (p.Asn386Asp)

Gene: SMARCE1 (SWI/SNF related BAF chromatin remodeling complex subunit E1; minus strand). Cytogenetic location: 17q21.2.
Variant type: single nucleotide variant.
Coding change: c.1156A>G on transcript NM_003079.5 (MANE Select); coding-DNA position 1156, A replaced by G.
Protein change: p.Asn386Asp; replaces asparagine 386 with aspartic acid.
Molecular consequence: missense variant.
Genome position (GRCh38, 1-based): chr17:40,628,865, T>C on the plus strand (A>G on the coding strand, the complement: SMARCE1 is on the minus strand). VCF-style: chr17-40628865-T-C. GRCh37 (hg19) VCF-style: chr17-38785117-T-C.
Other names: short protein forms N386D.
Identifiers: ClinVar variation 532239 (VCV000532239.10), dbSNP rs1555605077, ClinGen allele CA399361107.